The following is an entry in ClinVar:

NM_005676.5(RBM10):c.1352_1353del (p.Glu451fs)

Gene: RBM10 (RNA binding motif protein 10; plus strand). Cytogenetic location: Xp11.3.
Variant type: Microsatellite.
Coding change: c.1352_1353del on transcript NM_005676.5 (MANE Select); coding-DNA positions 1352 to 1353, 2 bases deleted (AG; older notation c.1352_1353delAG).
Protein change: p.Glu451fs; shifts the reading frame from glutamic acid 451.
Molecular consequence: frameshift variant.
Genome position (GRCh38, 1-based): chrX:47,181,318-47,181,319, AG deleted; deleting any 2 consecutive bases within chrX:47,181,316-47,181,319 gives the same sequence; the c. name uses the placement nearest the transcript's 3' end. VCF-style (leftmost placement, unchanged base first): chrX-47181315-CAG-C. GRCh37 (hg19) VCF-style: chrX-47040714-CAG-C.
Other names: c.1121_1122del, p.Glu374fs (NM_001204466.2); c.1349_1350del, p.Glu450fs (NM_001204467.2); c.1547_1548del, p.Glu516fs (NM_001204468.2); c.1118_1119del, p.Glu373fs (NM_152856.3); c.1352_1353delAG (NM_005676.4); short protein forms E373fs, E374fs, E450fs, E451fs, E516fs.
Identifiers: ClinVar variation 428617 (VCV000428617.6), dbSNP rs1131690789, ClinGen allele CA645369807.

ClinVar aggregate classification (germline): Pathogenic. Review status: criteria provided, multiple submitters, no conflicts (2 of 4 stars). 2 submissions from 2 submitters: Pathogenic (2). Last evaluated 2022-10-28.

Conditions:
Inborn genetic diseases. Identifiers: MedGen C0950123, MeSH D030342.

Submissions (2):

GeneDx
Classification: Pathogenic. Last evaluated: 2022-10-28. Review status: criteria provided, single submitter. Criteria: GeneDx Variant Classification Process June 2021. Collection method: clinical testing. Allele origin: germline. Affected: yes.
Comment: Frameshift variant predicted to result in protein truncation or nonsense mediated decay in a gene for which loss-of-function is a known mechanism of disease; Not observed in large population cohorts (gnomAD); This variant is associated with the following publications: (PMID: 28577551)

Ambry Genetics
Classification: Pathogenic for Inborn genetic diseases. Last evaluated: 2015-08-21. Review status: criteria provided, single submitter. Criteria: Ambry exome assertion method (8-5-2015). Collection method: clinical testing. Allele origin: germline. Affected: yes. Observed: 1 variant allele.